The following is an entry in ClinVar:

NM_000363.5(TNNI3):c.259G>C (p.Gly87Arg)

Gene: TNNI3 (troponin I3, cardiac type; minus strand). Cytogenetic location: 19q13.42.
Variant type: single nucleotide variant.
Coding change: c.259G>C on transcript NM_000363.5 (MANE Select); coding-DNA position 259, G replaced by C.
Protein change: p.Gly87Arg; replaces glycine 87 with arginine.
Molecular consequence: missense variant.
Genome position (GRCh38, 1-based): chr19:55,156,224, C>G on the plus strand (G>C on the coding strand, the complement: TNNI3 is on the minus strand). VCF-style: chr19-55156224-C-G. GRCh37 (hg19) VCF-style: chr19-55667592-C-G.
Other names: short protein forms G87R.
Identifiers: ClinVar variation 920505 (VCV000920505.7), dbSNP rs1276684253, ClinGen allele CA407441700.
Genomic context (GRCh38, chr19:55,156,224, plus strand): 5'-CCGGGACTAGAAACCTCGCATCCTTGGGAGCCGGTACCTGCAGCTCCGCGAAGCCCAGCC[C>G]GGCCAACTCCAGCGGCTGGCAGCGGGTGCTCAGAGCGCGCCCCTTCTCTCCGCGCCGCTC-3'
Protein context (NP_000354.4, residues 77-97): STRCQPLELA[Gly87Arg]LGFAELQDLC

ClinVar aggregate classification (germline): Uncertain significance. Review status: criteria provided, multiple submitters, no conflicts (2 of 4 stars). 3 submissions from 3 submitters: Uncertain significance (3). Last evaluated 2025-07-29.

Conditions:
Cardiovascular phenotype. Identifiers: MedGen CN230736.
Cardiomyopathy (CMYO). Also called: Cardiomyopathies. Identifiers: Orphanet 167848, MedGen C0878544, MONDO:0004994, HP:0001638. Inheritance: Various modes of inheritance.
Hypertrophic cardiomyopathy. Also called: HYPERTROPHIC MYOCARDIOPATHY. Identifiers: Orphanet 217569, MedGen C0007194, MeSH D002312, MONDO:0005045, HP:0001639.

Submissions (3):

Ambry Genetics
Classification: Uncertain significance for Cardiovascular phenotype. Last evaluated: 2025-07-29. Review status: criteria provided, single submitter. Criteria: Ambry Variant Classification Scheme 2023. Collection method: clinical testing. Allele origin: germline.
Comment: The p.G87R variant (also known as c.259G>C), located in coding exon 5 of the TNNI3 gene, results from a G to C substitution at nucleotide position 259. The glycine at codon 87 is replaced by arginine, an amino acid with dissimilar properties. This amino acid position is conserved. In addition, the in silico prediction for this alteration is inconclusive. Based on the available evidence, the clinical significance of this variant remains unclear.

Color Diagnostics, LLC DBA Color Health
Classification: Uncertain significance for Cardiomyopathy. Last evaluated: 2024-03-06. Review status: criteria provided, single submitter. Criteria: ACMG Guidelines, 2015. Collection method: clinical testing. Allele origin: germline.
Comment: This missense variant replaces glycine with arginine at codon 87 of the TNNI3 protein. Computational prediction suggests that this variant may have a deleterious impact on protein structure and function (internally defined REVEL score threshold >= 0.7, PMID: 27666373). To our knowledge, functional studies have not been reported for this variant. This variant has not been reported in individuals affected with TNNI3-related disorders in the literature. This variant has been identified in 1/242566 chromosomes in the general population by the Genome Aggregation Database (gnomAD). The available evidence is insufficient to determine the role of this variant in disease conclusively. Therefore, this variant is classified as a Variant of Uncertain Significance.

All of Us Research Program, National Institutes of Health
Classification: Uncertain significance for Hypertrophic cardiomyopathy. Last evaluated: 2023-05-04. Review status: criteria provided, single submitter. Criteria: ACMG Guidelines, 2015. Collection method: clinical testing. Allele origin: germline. Inheritance: Autosomal dominant inheritance. Observed: 1 variant allele, 1 heterozygote.
Comment: This missense variant replaces glycine with arginine at codon 87 of the TNNI3 protein. Computational prediction suggests that this variant may have deleterious impact on protein structure and function (internally defined REVEL score threshold >= 0.7, PMID: 27666373). Splice site prediction tools suggest that this variant may not impact RNA splicing. To our knowledge, functional studies have not been performed for this variant. This variant has not been reported in individuals affected with cardiovascular disorders in the literature. This variant has been identified in 1/242566 chromosomes in the general population by the Genome Aggregation Database (gnomAD). The available evidence is insufficient to determine the role of this variant in disease conclusively. Therefore, this variant is classified as a Variant of Uncertain Significance.

This study involves interpretation of variants in research participants for the purpose of population health screening. Participant phenotype was not available at the time of variant classification. Additional details can be found in publication PMID: 35346344, PMCID: PMC8962531